The following is an entry in ClinVar:

NM_001999.4(FBN2):c.4035G>C (p.Lys1345Asn)

Gene: FBN2 (fibrillin 2; minus strand). Cytogenetic location: 5q23.3.
Variant type: single nucleotide variant.
Coding change: c.4035G>C on transcript NM_001999.4 (MANE Select); coding-DNA position 4035, G replaced by C.
Protein change: p.Lys1345Asn; replaces lysine 1345 with asparagine.
Molecular consequence: missense variant.
Genome position (GRCh38, 1-based): chr5:128,334,783, C>G on the plus strand (G>C on the coding strand, the complement: FBN2 is on the minus strand). VCF-style: chr5-128334783-C-G. GRCh37 (hg19) VCF-style: chr5-127670475-C-G.
Other names: short protein forms K1345N.
Identifiers: ClinVar variation 2894318 (VCV002894318.3), dbSNP rs772465221, ClinGen allele CA360757040.

ClinVar aggregate classification (germline): Uncertain significance (1 of 4 stars; one submission).

Conditions:
Congenital contractural arachnodactyly (CCA). Also called: BEALS SYNDROME; Beals-Hecht syndrome; Arthrogryposis, distal, type 9. Identifiers: Orphanet 115, MedGen C0220668, MONDO:0007363, OMIM 121050.

Submission:

Labcorp Genetics (formerly Invitae), Labcorp
Classification: Uncertain significance for Congenital contractural arachnodactyly. Last evaluated: 2023-07-05. Review status: criteria provided, single submitter. Criteria: Invitae Variant Classification Sherloc (09022015). Collection method: clinical testing. Allele origin: germline.
Comment: In summary, the available evidence is currently insufficient to determine the role of this variant in disease. Therefore, it has been classified as a Variant of Uncertain Significance. Advanced modeling of protein sequence and biophysical properties (such as structural, functional, and spatial information, amino acid conservation, physicochemical variation, residue mobility, and thermodynamic stability) has been performed at Invitae for this missense variant, however the output from this modeling did not meet the statistical confidence thresholds required to predict the impact of this variant on FBN2 protein function. This variant has not been reported in the literature in individuals affected with FBN2-related conditions. This variant is present in population databases (no rsID available, gnomAD 0.007%). This sequence change replaces lysine, which is basic and polar, with asparagine, which is neutral and polar, at codon 1345 of the FBN2 protein (p.Lys1345Asn).